The following is an entry in ClinVar:

ClinVar aggregate classification (germline): Pathogenic. Review status: criteria provided, multiple submitters, no conflicts (2 of 4 stars). 3 submissions from 3 submitters: Pathogenic (3). Last evaluated 2025-11-19.

Conditions:
Developmental and epileptic encephalopathy, 2 (DEE2). Also called: INFANTILE SPASM SYNDROME, X-LINKED 2; CDKL5 deficiency disorder. Identifiers: Orphanet 1934, Orphanet 3451, Orphanet 505652, MedGen C4750718, MONDO:0010396, OMIM 300672.
Angelman syndrome-like. Identifiers: MedGen CN128785.

Submissions (3):

3billion
Classification: Pathogenic for Developmental and epileptic encephalopathy, 2. Last evaluated: 2025-11-19. Review status: criteria provided, single submitter. Criteria: ACMG Guidelines, 2015. Collection method: clinical testing. Allele origin: germline. Affected: yes.
Comment: The variant is not observed in the gnomAD v4.1.0 dataset. Predicted Consequence/Location: Stop-gained (nonsense): predicted to result in a loss or disruption of normal protein function through nonsense-mediated decay (NMD) or protein truncation. Multiple pathogenic variants are reported downstream of the variant. The variant has been previously reported as de novo in a similarly affected individual (PMID: 34163418). The variant has been previously reported as assumed (i.e. paternity and maternity not confirmed) de novo in at least one similarly affected unrelated individual (PMID: 34163418). The variant has been reported at least twice as pathogenic without evidence for the classification (ClinVar ID: VCV000560971 /PMID: 34163418). Therefore, this variant is classified as Pathogenic according to the recommendation of ACMG/AMP guideline.

Labcorp Genetics (formerly Invitae), Labcorp
Classification: Pathogenic for Developmental and epileptic encephalopathy, 2; Angelman syndrome-like. Last evaluated: 2022-02-05. Review status: criteria provided, single submitter. Criteria: Invitae Variant Classification Sherloc (09022015). Collection method: clinical testing. Allele origin: germline.
Comment: For these reasons, this variant has been classified as Pathogenic. ClinVar contains an entry for this variant (Variation ID: 560971). This variant has not been reported in the literature in individuals affected with CDKL5-related conditions. This variant is not present in population databases (gnomAD no frequency). This sequence change creates a premature translational stop signal (p.Gln290*) in the CDKL5 gene. It is expected to result in an absent or disrupted protein product. Loss-of-function variants in CDKL5 are known to be pathogenic (PMID: 22872100).

Baylor Genetics
Classification: Pathogenic for Developmental and epileptic encephalopathy, 2. Last evaluated: 2017-09-01. Review status: criteria provided, single submitter. Criteria: ACMG Guidelines, 2015. Collection method: clinical testing. Allele origin: germline. Inheritance: X-linked inheritance. Affected: yes.
Comment: This nonsense mutation is categorized as deleterious according to ACMG guidelines (PMID:18414213).

Literature cited by the submitters: PubMed 34163418 (cited by 3billion); PubMed 22872100 (cited by Labcorp Genetics (formerly Invitae), Labcorp); PubMed 25326635 (cited by Baylor Genetics).

NM_001323289.2(CDKL5):c.868C>T (p.Gln290Ter)

Gene: CDKL5 (cyclin dependent kinase like 5; plus strand). Cytogenetic location: Xp22.13.
Variant type: single nucleotide variant.
Coding change: c.868C>T on transcript NM_001323289.2 (MANE Select); coding-DNA position 868, C replaced by T.
Protein change: p.Gln290Ter; replaces glutamine 290 with a stop codon.
Molecular consequence: nonsense.
Genome position (GRCh38, 1-based): chrX:18,598,504, C>T. VCF-style: chrX-18598504-C-T. GRCh37 (hg19) VCF-style: chrX-18616624-C-T.
Other names: c.868C>T, p.Gln290Ter (NM_001037343.2, NM_003159.3); short protein forms Q290*.
Identifiers: ClinVar variation 560971 (VCV000560971.13), dbSNP rs1569218019, ClinGen allele CA412355876.